The following is an entry in ClinVar:

ClinVar aggregate classification (germline): Uncertain significance (1 of 4 stars; one submission).

Conditions:
Intellectual disability, CASK-related, X-linked. Identifiers: MedGen CN043158.

Allele frequency attached by ClinVar (database versions not stated): gnomAD exomes below 0.00001.
gnomAD v4.1: 1 of 1,168,872 alleles (0.000086%); highest among the groups gnomAD compares: Non-Finnish European, 0.00012%; no homozygotes.

Submission:

Labcorp Genetics (formerly Invitae), Labcorp
Classification: Uncertain significance for Intellectual disability, CASK-related, X-linked. Last evaluated: 2020-09-30. Review status: criteria provided, single submitter. Criteria: Invitae Variant Classification Sherloc (09022015). Collection method: clinical testing. Allele origin: germline.
Comment: This sequence change replaces isoleucine with valine at codon 514 of the CASK protein (p.Ile514Val). The isoleucine residue is highly conserved and there is a small physicochemical difference between isoleucine and valine. This variant is not present in population databases (ExAC no frequency). This variant has not been reported in the literature in individuals with CASK-related conditions. Algorithms developed to predict the effect of missense changes on protein structure and function are either unavailable or do not agree on the potential impact of this missense change (SIFT: "Deleterious"; PolyPhen-2: "Benign"; Align-GVGD: "Class C0"). In summary, the available evidence is currently insufficient to determine the role of this variant in disease. Therefore, it has been classified as a Variant of Uncertain Significance.

NM_001367721.1(CASK):c.1540A>G (p.Ile514Val)

Gene: CASK (calcium/calmodulin dependent serine protein kinase; minus strand). Cytogenetic location: Xp11.4.
Variant type: single nucleotide variant.
Coding change: c.1540A>G on transcript NM_001367721.1 (MANE Select); coding-DNA position 1540, A replaced by G.
Protein change: p.Ile514Val; replaces isoleucine 514 with valine.
Molecular consequence: missense variant.
Genome position (GRCh38, 1-based): chrX:41,569,710, T>C on the plus strand (A>G on the coding strand, the complement: CASK is on the minus strand). VCF-style: chrX-41569710-T-C. GRCh37 (hg19) VCF-style: chrX-41428963-T-C.
Other names: c.1540A>G, p.Ile514Val (NM_001126054.3, NM_003688.4); c.1522A>G, p.Ile508Val (NM_001126055.3, NM_001410745.1); short protein forms I508V, I514V.
Identifiers: ClinVar variation 1016152 (VCV001016152.8), dbSNP rs2065378550, ClinGen allele CA412995702.